The following is an entry in ClinVar:

NM_000138.5(FBN1):c.5278T>G (p.Tyr1760Asp)

Gene: FBN1 (fibrillin 1; minus strand). Cytogenetic location: 15q21.1.
Variant type: single nucleotide variant.
Coding change: c.5278T>G on transcript NM_000138.5 (MANE Select); coding-DNA position 5278, T replaced by G.
Protein change: p.Tyr1760Asp; replaces tyrosine 1760 with aspartic acid.
Molecular consequence: missense variant.
Genome position (GRCh38, 1-based): chr15:48,460,264, A>C on the plus strand (T>G on the coding strand, the complement: FBN1 is on the minus strand). VCF-style: chr15-48460264-A-C. GRCh37 (hg19) VCF-style: chr15-48752461-A-C.
Other names: c.5278T>G, p.Tyr1760Asp (NM_001406716.1); short protein forms Y1760D.
Identifiers: ClinVar variation 3027310 (VCV003027310.24), dbSNP rs761188772, ClinGen allele CA054562.

ClinVar aggregate classification (germline): Conflicting classifications of pathogenicity. Review status: criteria provided, conflicting classifications (1 of 4 stars). 2 submissions from 2 submitters: Uncertain significance (1); Likely benign (1). Last evaluated 2024-08-19.

Conditions:
Marfan syndrome (MFS). Also called: MARFAN SYNDROME, TYPE I; Marfan syndrome type 1; Marfan's syndrome; Marfan syndrome, classic; FBN1-Related Marfan Syndrome. Identifiers: Orphanet 284963, Orphanet 558, MedGen C0024796, MONDO:0007947, OMIM 154700.
Familial thoracic aortic aneurysm and aortic dissection (TAAD). Also called: Thoracic aortic aneurysms and dissections. Identifiers: Orphanet 91387, MedGen C4707243, MONDO:0019625.

Allele frequency attached by ClinVar (database versions not stated): gnomAD exomes below 0.00001; ExAC 0.00001.
gnomAD v4.1: 1 of 1,613,608 alleles (0.000062%); highest among the groups gnomAD compares: South Asian, 0.0011%; no homozygotes.

Submissions (2):

Labcorp Genetics (formerly Invitae), Labcorp
Classification: Likely benign for Marfan syndrome; Familial thoracic aortic aneurysm and aortic dissection. Last evaluated: 2024-08-19. Review status: criteria provided, single submitter. Criteria: Invitae Variant Classification Sherloc (09022015). Collection method: clinical testing. Allele origin: germline.

CeGaT Center for Human Genetics Tuebingen
Classification: Uncertain significance. Last evaluated: 2024-02-01. Review status: criteria provided, single submitter. Criteria: CeGaT Center For Human Genetics Tuebingen Variant Classification Criteria Version 2. Collection method: clinical testing. Allele origin: germline. Affected: yes. Observed: 1 variant allele.
Comment: FBN1: PM2:Supporting